The following is an entry in ClinVar:

NM_007294.4(BRCA1):c.4185+880del

Gene: BRCA1 (BRCA1 DNA repair associated; minus strand). Cytogenetic location: 17q21.31.
Variant type: Deletion.
Coding change: c.4185+880del on transcript NM_007294.4 (MANE Select); 880 bases into the intron after coding-DNA position 4185, one base deleted (C; older notation c.4185+880delC).
Molecular consequence: intron variant.
Genome position (GRCh38, 1-based): chr17:43,090,064, G deleted on the plus strand (C on the coding strand, the reverse complement: BRCA1 is on the minus strand). VCF-style (leftmost placement, unchanged base first): chr17-43090063-AG-A. GRCh37 (hg19) VCF-style: chr17-41242080-AG-A.
Other names: IVS 12+880del; c.3972+880del (NM_001407894.1, NM_001407899.1, NM_001407915.1 and 9 more transcripts); c.3852+880del (NM_001407957.1, NM_001407953.1, NM_001407949.1 and 6 more transcripts); c.549+880del (NM_001408506.1, NM_001408507.1); c.666+880del (NM_001408481.1, NM_001408480.1, NM_001408492.1 and 9 more transcripts); c.3975+880del (NM_001407909.1, NM_001407906.1, NM_001407887.1 and 13 more transcripts); c.867+880del (NM_001408408.1); c.4176+880del (NM_001407647.1, NM_001407646.1); and 42 more.
Identifiers: ClinVar variation 209437 (VCV000209437.2), dbSNP rs200098203, ClinGen allele CA276409.

ClinVar aggregate classification (germline): Benign (3 of 4 stars; one submission).

Conditions:
Breast-ovarian cancer, familial, susceptibility to, 1 (BROVCA1). Also called: BRCA1 Hereditary Breast and Ovarian Cancer; OVARIAN CANCER, SUSCEPTIBILITY TO. Identifiers: Orphanet 145, MedGen C2676676, MONDO:0011450, OMIM 604370. Disease mechanism: loss of function.

Submission:

Evidence-based Network for the Interpretation of Germline Mutant Alleles (ENIGMA)
Classification: Benign for Breast-ovarian cancer, familial 1. Last evaluated: 2015-01-12. Review status: reviewed by expert panel. Criteria: ENIGMA BRCA1/2 Classification Criteria (2015). Collection method: curation. Allele origin: germline.
Comment: Class 1 not pathogenic based on frequency >1% in an outbred sampleset. Frequency 0.02 (Asian), 0.03 (European), derived from 1000 genomes (2012-04-30).